The following is an entry in ClinVar:

ClinVar aggregate classification (germline): Likely benign. Review status: criteria provided, multiple submitters, no conflicts (2 of 4 stars). 3 submissions from 3 submitters: Likely benign (3). Last evaluated 2026-08-01.

Conditions:
Dilated cardiomyopathy 1G (CMD1G). Identifiers: Orphanet 154, MedGen C1858763, MONDO:0011400, OMIM 604145.
Autosomal recessive limb-girdle muscular dystrophy type 2J (LGMDR10). Also called: Limb-girdle muscular dystrophy, type 2J; MUSCULAR DYSTROPHY, LIMB-GIRDLE, AUTOSOMAL RECESSIVE 10. Identifiers: Orphanet 140922, MedGen C1837342, MONDO:0012127, OMIM 608807.
Cardiovascular phenotype. Identifiers: MedGen CN230736.

Allele frequency attached by ClinVar (database versions not stated): gnomAD exomes 0.00003 and 0.00007; ExAC 0.00004; gnomAD 0.00008; TOPMed 0.00011.
gnomAD v4.1: 30 of 1,613,686 alleles (0.0019%); highest among the groups gnomAD compares: Admixed American, 0.048%; no homozygotes.

Submissions (3):

CeGaT Center for Human Genetics Tuebingen
Classification: Likely benign. Last evaluated: 2026-08-01. Review status: criteria provided, single submitter. Criteria: CeGaT Center For Human Genetics Tuebingen Variant Classification Criteria Version 2. Collection method: clinical testing. Allele origin: germline. Affected: yes. Observed: 1 variant allele.
Comment: TTN: BP4, BP7

Labcorp Genetics (formerly Invitae), Labcorp
Classification: Likely benign for Dilated cardiomyopathy 1G; Autosomal recessive limb-girdle muscular dystrophy type 2J. Last evaluated: 2025-12-28. Review status: criteria provided, single submitter. Criteria: Invitae Variant Classification Sherloc (09022015). Collection method: clinical testing. Allele origin: germline.

Ambry Genetics
Classification: Likely benign for Cardiovascular phenotype. Last evaluated: 2022-01-02. Review status: criteria provided, single submitter. Criteria: Ambry Variant Classification Scheme 2023. Collection method: clinical testing. Allele origin: germline.

NM_001267550.2(TTN):c.3666A>G (p.Gln1222=)

Gene: TTN (titin; minus strand). Cytogenetic location: 2q31.2.
Variant type: single nucleotide variant.
Coding change: c.3666A>G on transcript NM_001267550.2 (MANE Select); coding-DNA position 3666, A replaced by G.
Protein change: p.Gln1222=; no amino-acid change (glutamine 1222 retained).
Molecular consequence: synonymous variant.
Genome position (GRCh38, 1-based): chr2:178,780,063, T>C on the plus strand (A>G on the coding strand, the complement: TTN is on the minus strand). VCF-style: chr2-178780063-T-C. GRCh37 (hg19) VCF-style: chr2-179644790-T-C.
Other names: c.3666A>G, p.Gln1222= (NM_001256850.1, NM_133378.4, NM_133379.5); c.3528A>G, p.Gln1176= (NM_003319.4, NM_133432.3, NM_133437.4).
Identifiers: ClinVar variation 1661887 (VCV001661887.11), dbSNP rs757867206, ClinGen allele CA2005508.